The following is an entry in ClinVar:

NM_001903.5(CTNNA1):c.941dup (p.Ser314fs)

Gene: CTNNA1 (catenin alpha 1; plus strand). Cytogenetic location: 5q31.2.
Variant type: Duplication.
Coding change: c.941dup on transcript NM_001903.5 (MANE Select); coding-DNA position 941, one base duplicated (G; older notation c.941dupG).
Protein change: p.Ser314fs; shifts the reading frame from serine 314.
Molecular consequence: frameshift variant.
Genome position (GRCh38, 1-based): chr5:138,827,597, G duplicated. VCF-style (leftmost placement, unchanged base first): chr5-138827596-A-AG. GRCh37 (hg19) VCF-style: chr5-138163285-A-AG.
Other names: c.941dup, p.Ser314fs (NM_001290307.3, NM_001323982.2, NM_001323983.1 and 3 more transcripts); c.632dup, p.Ser211fs (NM_001290309.3); c.572dup, p.Ser191fs (NM_001290310.3); short protein forms S314fs, S191fs, S211fs.
Identifiers: ClinVar variation 5035014 (VCV005035014.1).
Genomic context (GRCh38, chr5:138,827,596, plus strand): 5'-TTGAGCTTCAGCGAGGAGCGCTTTAGGCCTTCCCTGGAGGAGCGTCTGGAAAGCATCATT[A>AG]GTGGGGCTGCCTTGATGGCCGACTCGTCCTGCACGCGTGATGACCGTCGTGAGCGAATTG-3'

ClinVar aggregate classification (germline): Pathogenic (1 of 4 stars; one submission).

Conditions:
Hereditary cancer-predisposing syndrome. Also called: Hereditary Cancer Syndrome; Neoplastic Syndromes, Hereditary; Tumor predisposition; Hereditary neoplastic syndrome. Identifiers: Orphanet 140162, MedGen C0027672, MeSH D009386, MONDO:0015356.

Submission:

Ambry Genetics
Classification: Pathogenic for Hereditary cancer-predisposing syndrome. Last evaluated: 2026-08-26. Review status: criteria provided, single submitter. Criteria: Ambry Variant Classification Scheme 2023. Collection method: clinical testing. Allele origin: germline.
Comment: The c.941dupG pathogenic mutation, located in coding exon 6 of the CTNNA1 gene, results from a duplication of G at nucleotide position 941, causing a translational frameshift with a predicted alternate stop codon (p.S314Rfs*14). This variant is considered to be rare based on population cohorts in the Genome Aggregation Database (gnomAD). This alteration is expected to result in loss of function by premature protein truncation or nonsense-mediated mRNA decay. As such, this alteration is interpreted as a disease-causing mutation.